The following is an entry in ClinVar:

ClinVar aggregate classification (germline): Uncertain significance (1 of 4 stars; one submission).

Conditions:
Hereditary cancer-predisposing syndrome. Also called: Neoplastic Syndromes, Hereditary; Tumor predisposition; Hereditary neoplastic syndrome; Hereditary Cancer Syndrome. Identifiers: Orphanet 140162, MedGen C0027672, MeSH D009386, MONDO:0015356.

Allele frequency attached by ClinVar (database versions not stated): gnomAD 0.00001; TOPMed 0.00001.
gnomAD v4.1: 1 of 1,613,688 alleles (0.000062%); highest among the groups gnomAD compares: African/African-American, 0.0013%; no homozygotes.

Submission:

Ambry Genetics
Classification: Uncertain significance for Hereditary cancer-predisposing syndrome. Last evaluated: 2025-03-12. Review status: criteria provided, single submitter. Criteria: Ambry Variant Classification Scheme 2023. Collection method: clinical testing. Allele origin: germline.
Comment: The p.K1205E variant (also known as c.3613A>G), located in coding exon 23 of the ALK gene, results from an A to G substitution at nucleotide position 3613. The lysine at codon 1205 is replaced by glutamic acid, an amino acid with similar properties. This amino acid position is conserved. In addition, this alteration is predicted to be deleterious by in silico analysis. Since supporting evidence is limited at this time, the clinical significance of this alteration remains unclear.

NM_004304.5(ALK):c.3613A>G (p.Lys1205Glu)

Gene: ALK (ALK receptor tyrosine kinase; minus strand). Cytogenetic location: 2p23.2.
Variant type: single nucleotide variant.
Coding change: c.3613A>G on transcript NM_004304.5 (MANE Select); coding-DNA position 3613, A replaced by G.
Protein change: p.Lys1205Glu; replaces lysine 1205 with glutamic acid.
Molecular consequence: missense variant.
Genome position (GRCh38, 1-based): chr2:29,220,738, T>C on the plus strand (A>G on the coding strand, the complement: ALK is on the minus strand). VCF-style: chr2-29220738-T-C. GRCh37 (hg19) VCF-style: chr2-29443604-T-C.
Other names: c.409A>G, p.Lys137Glu (NM_001353765.2); short protein forms K137E, K1205E.
Identifiers: ClinVar variation 2452092 (VCV002452092.3), dbSNP rs1669778118, ClinGen allele CA346473008.